The following is an entry in ClinVar:

ClinVar aggregate classification (germline): Uncertain significance. Review status: criteria provided, multiple submitters, no conflicts (2 of 4 stars). 3 submissions from 3 submitters: Uncertain significance (3). Last evaluated 2026-05-22.

Allele frequency attached by ClinVar (database versions not stated): ExAC 0.00004; gnomAD 0.00016 and 0.00014; TOPMed 0.00021; gnomAD exomes 0.00001.
gnomAD v4.1: 33 of 1,521,238 alleles (0.0022%); highest among the groups gnomAD compares: Admixed American, 0.046%; no homozygotes.

Submissions (3):

Women's Health and Genetics/Laboratory Corporation of America, LabCorp
Classification: Uncertain significance. Last evaluated: 2026-05-22. Review status: criteria provided, single submitter. Criteria: LabCorp Variant Classification Summary - May 2015. Collection method: clinical testing. Allele origin: germline.
Comment: Variant summary: FAM175A c.272A>T (p.Asn91Ile) results in a non-conservative amino acid change located in the MPN domain (IPR037518) of the encoded protein sequence. Algorithms developed to predict the effect of missense changes on protein structure and function are either unavailable or do not agree on the potential impact of this missense change. The variant allele was found at a frequency of 1.4e-05 in 145924 control chromosomes (gnomAD). The available data on variant occurrences in the general population are insufficient to allow any conclusion about variant significance. c.272A>T has been reported in the literature in at least one individual with a personal or family history of Hereditary Breast And Ovarian Cancer Syndrome (Martin_2024). The report does not provide unequivocal conclusions about association of the variant with disease. To our knowledge, no experimental evidence demonstrating an impact on protein function has been reported. The following publication have been ascertained in the context of this evaluation (PMID: 38566764). ClinVar contains an entry for this variant (Variation ID: 411318). Based on the evidence outlined above, the variant was classified as uncertain significance.

Labcorp Genetics (formerly Invitae), Labcorp
Classification: Uncertain significance. Last evaluated: 2025-11-10. Review status: criteria provided, single submitter. Criteria: Invitae Variant Classification Sherloc (09022015). Collection method: clinical testing. Allele origin: germline.
Comment: This sequence change replaces asparagine, which is neutral and polar, with isoleucine, which is neutral and non-polar, at codon 91 of the ABRAXAS1 protein (p.Asn91Ile). This variant is present in population databases (rs767146349, gnomAD 0.01%). This missense change has been observed in individual(s) with ABRAXAS1-related conditions (PMID: 38566764). ClinVar contains an entry for this variant (Variation ID: 411318). Invitae Evidence Modeling of protein sequence and biophysical properties (such as structural, functional, and spatial information, amino acid conservation, physicochemical variation, residue mobility, and thermodynamic stability) indicates that this missense variant is not expected to disrupt ABRAXAS1 protein function with a negative predictive value of 80%. In summary, the available evidence is currently insufficient to determine the role of this variant in disease. Therefore, it has been classified as a Variant of Uncertain Significance.

Ambry Genetics
Classification: Uncertain significance. Last evaluated: 2024-10-14. Review status: criteria provided, single submitter. Criteria: Ambry Variant Classification Scheme 2023. Collection method: clinical testing. Allele origin: germline.
Comment: The p.N91I variant (also known as c.272A>T), located in coding exon 4 of the FAM175A gene, results from an A to T substitution at nucleotide position 272. The asparagine at codon 91 is replaced by isoleucine, an amino acid with dissimilar properties. This amino acid position is conserved. In addition, this alteration is predicted to be tolerated by in silico analysis. Since supporting evidence is limited at this time, the clinical significance of this alteration remains unclear.

Literature cited by the submitters: PubMed 38566764 (cited by Women's Health and Genetics/Laboratory Corporation of America, LabCorp and Labcorp Genetics (formerly Invitae), Labcorp).

NM_139076.3(ABRAXAS1):c.272A>T (p.Asn91Ile)

Gene: ABRAXAS1 (abraxas 1, BRCA1 A complex subunit; minus strand). Cytogenetic location: 4q21.23.
Variant type: single nucleotide variant.
Coding change: c.272A>T on transcript NM_139076.3 (MANE Select); coding-DNA position 272, A replaced by T.
Protein change: p.Asn91Ile; replaces asparagine 91 with isoleucine.
Molecular consequence: missense variant. On other transcripts: intron variant (1).
Genome position (GRCh38, 1-based): chr4:83,472,232, T>A on the plus strand (A>T on the coding strand, the complement: ABRAXAS1 is on the minus strand). VCF-style: chr4-83472232-T-A. GRCh37 (hg19) VCF-style: chr4-84393385-T-A.
Other names: c.-45-1836A>T (NM_001345962.2); short protein forms N91I.
Identifiers: ClinVar variation 411318 (VCV000411318.16), dbSNP rs767146349, ClinGen allele CA2990592.